The following is an entry in ClinVar:

NM_020693.4(DSCAML1):c.2754G>A (p.Thr918=)

Gene: DSCAML1 (DS cell adhesion molecule like 1; minus strand). Cytogenetic location: 11q23.3.
Variant type: single nucleotide variant.
Coding change: c.2754G>A on transcript NM_020693.4 (MANE Select); coding-DNA position 2754, G replaced by A.
Protein change: p.Thr918=; no amino-acid change (threonine 918 retained).
Molecular consequence: synonymous variant.
Genome position (GRCh38, 1-based): chr11:117,480,474, C>T on the plus strand (G>A on the coding strand, the complement: DSCAML1 is on the minus strand). VCF-style: chr11-117480474-C-T. GRCh37 (hg19) VCF-style: chr11-117351189-C-T.
Other names: c.2754G>A, p.Thr918= (NM_001367904.1).
Identifiers: ClinVar variation 1979521 (VCV001979521.12), dbSNP rs763896166, ClinGen allele CA6296892.

ClinVar aggregate classification (germline): Likely benign. Review status: criteria provided, multiple submitters, no conflicts (2 of 4 stars). 2 submissions from 2 submitters: Likely benign (2). Last evaluated 2026-01-17.

Allele frequency attached by ClinVar (database versions not stated): gnomAD 0.00001; TOPMed 0.00001; ExAC 0.00003.
gnomAD v4.1: 43 of 1,613,366 alleles (0.0027%); highest among the groups gnomAD compares: Middle Eastern, 0.033%; 2 homozygotes.

Submissions (2):

Labcorp Genetics (formerly Invitae), Labcorp
Classification: Likely benign. Last evaluated: 2026-01-17. Review status: criteria provided, single submitter. Criteria: Invitae Variant Classification Sherloc (09022015). Collection method: clinical testing. Allele origin: germline.

CeGaT Center for Human Genetics Tuebingen
Classification: Likely benign. Last evaluated: 2025-08-01. Review status: criteria provided, single submitter. Criteria: CeGaT Center For Human Genetics Tuebingen Variant Classification Criteria Version 2. Collection method: clinical testing. Allele origin: germline. Affected: yes. Observed: 1 variant allele.
Comment: DSCAML1: BP4, BP7